The following is an entry in ClinVar:

ClinVar aggregate classification (germline): Benign/Likely benign. Review status: criteria provided, multiple submitters, no conflicts (2 of 4 stars). 3 submissions from 3 submitters: Benign (1); Likely benign (2). Last evaluated 2024-07-16.

Allele frequency attached by ClinVar (database versions not stated): gnomAD exomes 0.00048; ExAC 0.00062; gnomAD 0.00169 and 0.00185; 1000 Genomes Project 30x 0.00172; 1000 Genomes Project 0.00180; TOPMed 0.00193; ESP Exome Variant Server 0.00249.
gnomAD v4.1: 552 of 1,612,716 alleles (0.034%); highest among the groups gnomAD compares: African/African-American, 0.69%; 1 homozygote.

Submissions (3):

Blueprint Genetics
Classification: Likely benign. Last evaluated: 2024-07-16. Review status: criteria provided, single submitter. Criteria: ACMG Guidelines, 2015. Collection method: clinical testing. Allele origin: germline.

CeGaT Center for Human Genetics Tuebingen
Classification: Likely benign. Last evaluated: 2023-05-01. Review status: criteria provided, single submitter. Criteria: CeGaT Center For Human Genetics Tuebingen Variant Classification Criteria Version 2. Collection method: clinical testing. Allele origin: germline. Affected: yes. Observed: 1 variant allele.
Comment: VARS1: BP4, BP7

Labcorp Genetics (formerly Invitae), Labcorp
Classification: Benign. Last evaluated: 2018-05-16. Review status: criteria provided, single submitter. Criteria: Invitae Variant Classification Sherloc (09022015). Collection method: clinical testing. Allele origin: germline.

NM_006295.3(VARS1):c.2073C>T (p.Ala691=)

Gene: VARS1 (valyl-tRNA synthetase 1; minus strand). Cytogenetic location: 6p21.33.
Variant type: single nucleotide variant.
Coding change: c.2073C>T on transcript NM_006295.3 (MANE Select); coding-DNA position 2073, C replaced by T.
Protein change: p.Ala691=; no amino-acid change (alanine 691 retained).
Molecular consequence: synonymous variant.
Genome position (GRCh38, 1-based): chr6:31,782,362, G>A on the plus strand (C>T on the coding strand, the complement: VARS1 is on the minus strand). VCF-style: chr6-31782362-G-A. GRCh37 (hg19) VCF-style: chr6-31750139-G-A.
Identifiers: ClinVar variation 785163 (VCV000785163.28), dbSNP rs116047950, ClinGen allele CA3723097.
Genomic context (GRCh38, chr6:31,782,362, plus strand): 5'-GGCATGCCATGTGCGCTGATGGGCCTCAGGCAGGATGCGGAGGTCACCCCGAGTCACAGC[G>A]GCGCTGGCAGCCTGGGCCATCTCCCCGCAGCGAACGTACCACTGCGGCCGCAGCAGAGGC-3'
Protein context (NP_006286.1, residues 681-701): RCGEMAQAAS[Ala691=]AVTRGDLRIL